The following is an entry in ClinVar:

NM_001851.6(COL9A1):c.2324C>G (p.Ala775Gly)

Gene: COL9A1 (collagen type IX alpha 1 chain; minus strand). Cytogenetic location: 6q13.
Variant type: single nucleotide variant.
Coding change: c.2324C>G on transcript NM_001851.6 (MANE Select); coding-DNA position 2324, C replaced by G.
Protein change: p.Ala775Gly; replaces alanine 775 with glycine.
Molecular consequence: missense variant. On other transcripts: non-coding transcript variant (1).
Genome position (GRCh38, 1-based): chr6:70,232,762, G>C on the plus strand (C>G on the coding strand, the complement: COL9A1 is on the minus strand). VCF-style: chr6-70232762-G-C. GRCh37 (hg19) VCF-style: chr6-70942465-G-C.
Other names: c.1625C>G, p.Ala542Gly (NM_001377289.1); c.1448C>G, p.Ala483Gly (NM_001377290.1); c.1595C>G, p.Ala532Gly (NM_078485.4); short protein forms A483G, A532G, A542G, A775G.
Identifiers: ClinVar variation 3375231 (VCV003375231.1).

ClinVar aggregate classification (germline): Uncertain significance (1 of 4 stars; one submission).

Submission:

Women's Health and Genetics/Laboratory Corporation of America, LabCorp
Classification: Uncertain significance. Last evaluated: 2024-09-24. Review status: criteria provided, single submitter. Criteria: LabCorp Variant Classification Summary - May 2015. Collection method: clinical testing. Allele origin: germline.
Comment: Variant summary: COL9A1 c.2324C>G (p.Ala775Gly) results in a non-conservative amino acid change in the encoded protein sequence. Four of five in-silico tools predict a damaging effect of the variant on protein function. The variant was absent in 239250 control chromosomes. The available data on variant occurrences in the general population are insufficient to allow any conclusion about variant significance. To our knowledge, no occurrence of c.2324C>G in individuals affected with COL9A1-Related Disorders and no experimental evidence demonstrating its impact on protein function have been reported. No submitters have cited clinical-significance assessments for this variant to ClinVar. Based on the evidence outlined above, the variant was classified as uncertain significance.